The following is an entry in ClinVar:

NM_152594.3(SPRED1):c.1151del (p.Glu384fs)

Gene: SPRED1 (sprouty related EVH1 domain containing 1; plus strand). Cytogenetic location: 15q14.
Variant type: Deletion.
Coding change: c.1151del on transcript NM_152594.3 (MANE Select); coding-DNA position 1151, one base deleted (A; older notation c.1151delA).
Protein change: p.Glu384fs; shifts the reading frame from glutamic acid 384.
Molecular consequence: frameshift variant.
Genome position (GRCh38, 1-based): chr15:38,351,480, A deleted. VCF-style (leftmost placement, unchanged base first): chr15-38351479-GA-G. GRCh37 (hg19) VCF-style: chr15-38643680-GA-G.
Other names: short protein forms E384fs.
Identifiers: ClinVar variation 642469 (VCV000642469.9), dbSNP rs1595763928, ClinGen allele CA915946532.

ClinVar aggregate classification (germline): Pathogenic (1 of 4 stars; one submission).

Conditions:
Legius syndrome. Identifiers: Orphanet 137605, MedGen C1969623, MONDO:0012669, OMIM 611431. Disease mechanism: loss of function.

Submission:

Labcorp Genetics (formerly Invitae), Labcorp
Classification: Pathogenic for Legius syndrome. Last evaluated: 2018-11-07. Review status: criteria provided, single submitter. Criteria: Invitae Variant Classification Sherloc (09022015). Collection method: clinical testing. Allele origin: germline.
Comment: For these reasons, this variant has been classified as Pathogenic. This variant disrupts the C-terminus of the SPRED1 protein. Other variant(s) that disrupt this region (p.Cys418Alafs*6, p.Met417Ttrfs*15, p.Arg403Leufs*30) have been determined to be pathogenic (PMID: 19920235). This suggests that variants that disrupt this region of the protein are likely to be causative of disease. While experimental studies have not been performed on this particular variant, it is expected to disrupt the Sprouty domain of the SPRED1 protein which is necessary for proper function of the SPRED1 protein (PMID: 15683364). This variant has not been reported in the literature in individuals with SPRED1-related disease. This variant is not present in population databases (ExAC no frequency). This sequence change results in a premature translational stop signal in the SPRED1 gene (p.Glu384Glyfs*22). While this is not anticipated to result in nonsense mediated decay, it is expected to disrupt the last 61 amino acids of the SPRED1 protein.

Literature cited by the submitters: PubMed 19920235; PubMed 15683364.